The following is an entry in ClinVar:

NM_005632.3(CAPN15):c.2889C>T (p.Arg963=)

Gene: CAPN15 (calpain 15; plus strand). Cytogenetic location: 16p13.3.
Variant type: single nucleotide variant.
Coding change: c.2889C>T on transcript NM_005632.3 (MANE Select); coding-DNA position 2889, C replaced by T.
Protein change: p.Arg963=; no amino-acid change (arginine 963 retained).
Molecular consequence: synonymous variant.
Genome position (GRCh38, 1-based): chr16:552,756, C>T. VCF-style: chr16-552756-C-T. GRCh37 (hg19) VCF-style: chr16-602756-C-T.
Identifiers: ClinVar variation 4533689 (VCV004533689.6).

ClinVar aggregate classification (germline): Likely benign (1 of 4 stars; one submission).

gnomAD v4.1: 405 of 1,534,104 alleles (0.026%); highest among the groups gnomAD compares: East Asian, 0.2%; 1 homozygote.

Submission:

CeGaT Center for Human Genetics Tuebingen
Classification: Likely benign. Last evaluated: 2025-11-01. Review status: criteria provided, single submitter. Criteria: CeGaT Center For Human Genetics Tuebingen Variant Classification Criteria Version 2. Collection method: clinical testing. Allele origin: germline. Affected: yes. Observed: 1 variant allele.
Comment: CAPN15: BP4, BP7